The following is an entry in ClinVar:

ClinVar aggregate classification (germline): Likely benign (1 of 4 stars; one submission).

Allele frequency attached by ClinVar (database versions not stated): ExAC 0.00007; 1000 Genomes Project 30x 0.00016; 1000 Genomes Project 0.00020; gnomAD exomes 0.00023 and 0.00072; TOPMed 0.00044; gnomAD 0.00050.
gnomAD v4.1: 1,098 of 1,548,388 alleles (0.071%); highest among the groups gnomAD compares: Non-Finnish European, 0.089%; no homozygotes.

Submission:

CeGaT Center for Human Genetics Tuebingen
Classification: Likely benign. Last evaluated: 2022-11-01. Review status: criteria provided, single submitter. Criteria: CeGaT Center For Human Genetics Tuebingen Variant Classification Criteria Version 2. Collection method: clinical testing. Allele origin: germline. Affected: yes. Observed: 2 variant alleles.
Comment: OTOG: BP4, BP7

NM_001292063.2(OTOG):c.8019C>T (p.Ala2673=)

Gene: OTOG (otogelin; plus strand). Cytogenetic location: 11p15.1.
Variant type: single nucleotide variant.
Coding change: c.8019C>T on transcript NM_001292063.2 (MANE Select); coding-DNA position 8019, C replaced by T.
Protein change: p.Ala2673=; no amino-acid change (alanine 2673 retained).
Molecular consequence: synonymous variant.
Genome position (GRCh38, 1-based): chr11:17,640,920, C>T. VCF-style: chr11-17640920-C-T. GRCh37 (hg19) VCF-style: chr11-17662467-C-T.
Other names: c.8055C>T, p.Ala2685= (NM_001277269.2).
Identifiers: ClinVar variation 1675452 (VCV001675452.33), dbSNP rs531303093, ClinGen allele CA5906217.